The following is an entry in ClinVar:

NM_005560.6(LAMA5):c.3466C>T (p.Arg1156Trp)

Gene: LAMA5 (laminin subunit alpha 5; minus strand). Cytogenetic location: 20q13.33.
Variant type: single nucleotide variant.
Coding change: c.3466C>T on transcript NM_005560.6 (MANE Select); coding-DNA position 3466, C replaced by T.
Protein change: p.Arg1156Trp; replaces arginine 1156 with tryptophan.
Molecular consequence: missense variant.
Genome position (GRCh38, 1-based): chr20:62,332,458, G>A on the plus strand (C>T on the coding strand, the complement: LAMA5 is on the minus strand). VCF-style: chr20-62332458-G-A. GRCh37 (hg19) VCF-style: chr20-60907514-G-A.
Other names: c.3466C>T (NM_005560.3); short protein forms R1156W.
Identifiers: ClinVar variation 2420975 (VCV002420975.7), dbSNP rs773594337, ClinGen allele CA9942986.

ClinVar aggregate classification (germline): Uncertain significance. Review status: criteria provided, multiple submitters, no conflicts (2 of 4 stars). 2 submissions from 2 submitters: Uncertain significance (2). Last evaluated 2025-05-13.

Conditions:
Inborn genetic diseases. Identifiers: MedGen C0950123, MeSH D030342.

Allele frequency attached by ClinVar (database versions not stated): gnomAD 0.00001; ExAC 0.00002; gnomAD exomes 0.00002; TOPMed 0.00002.
gnomAD v4.1: 35 of 1,612,456 alleles (0.0022%); highest among the groups gnomAD compares: Non-Finnish European, 0.0029%; no homozygotes.

Submissions (2):

Ambry Genetics
Classification: Uncertain significance for Inborn genetic diseases. Last evaluated: 2025-05-13. Review status: criteria provided, single submitter. Criteria: Ambry Variant Classification Scheme 2023. Collection method: clinical testing. Allele origin: germline.

Labcorp Genetics (formerly Invitae), Labcorp
Classification: Uncertain significance. Last evaluated: 2022-01-17. Review status: criteria provided, single submitter. Criteria: Invitae Variant Classification Sherloc (09022015). Collection method: clinical testing. Allele origin: germline.
Comment: In summary, the available evidence is currently insufficient to determine the role of this variant in disease. Therefore, it has been classified as a Variant of Uncertain Significance. Algorithms developed to predict the effect of missense changes on protein structure and function are either unavailable or do not agree on the potential impact of this missense change (SIFT: "Tolerated"; PolyPhen-2: "Probably Damaging"; Align-GVGD: "Class C0"). This variant has not been reported in the literature in individuals affected with LAMA5-related conditions. This variant is present in population databases (rs773594337, gnomAD 0.003%). This sequence change replaces arginine, which is basic and polar, with tryptophan, which is neutral and slightly polar, at codon 1156 of the LAMA5 protein (p.Arg1156Trp).